The following is an entry in ClinVar:

NM_000834.5(GRIN2B):c.4244C>G (p.Ser1415Trp)

Gene: GRIN2B (glutamate ionotropic receptor NMDA type subunit 2B; minus strand). Cytogenetic location: 12p13.1.
Variant type: single nucleotide variant.
Coding change: c.4244C>G on transcript NM_000834.5 (MANE Select); coding-DNA position 4244, C replaced by G.
Protein change: p.Ser1415Trp; replaces serine 1415 with tryptophan.
Molecular consequence: missense variant.
Genome position (GRCh38, 1-based): chr12:13,562,994, G>C on the plus strand (C>G on the coding strand, the complement: GRIN2B is on the minus strand). VCF-style: chr12-13562994-G-C. GRCh37 (hg19) VCF-style: chr12-13715928-G-C.
Other names: c.4244C>G, p.Ser1415Trp (NM_001413992.1); short protein forms S1415W.
Identifiers: ClinVar variation 1805506 (VCV001805506.4), dbSNP rs201463390, ClinGen allele CA383985850.

ClinVar aggregate classification (germline): Uncertain significance. Review status: criteria provided, multiple submitters, no conflicts (2 of 4 stars). 2 submissions from 2 submitters: Uncertain significance (2). Last evaluated 2021-10-05.

Conditions:
Developmental and epileptic encephalopathy, 27 (DEE27). Also called: Epileptic encephalopathy, early infantile, 27; GRIN2B-Related Neurodevelopmental Disorder. Identifiers: Orphanet 3451, MedGen C4015316, MONDO:0014505, OMIM 616139.

Submissions (2):

Revvity Omics, Revvity
Classification: Uncertain significance. Last evaluated: 2021-10-05. Review status: criteria provided, single submitter. Criteria: ACMG Guidelines, 2015. Collection method: clinical testing. Allele origin: germline.

Victorian Clinical Genetics Services, Murdoch Childrens Research Institute
Classification: Uncertain significance. Last evaluated: 2019-08-28. Review status: criteria provided, single submitter. Criteria: ACMG Guidelines, 2015. Collection method: clinical testing. Allele origin: germline. Inheritance: Autosomal dominant inheritance. Affected: yes.
Comment: A heterozygous missense variant was identified, NM_000834.4(GRIN2B):c.4244C>G in exon 13 of 13 of the GRIN2B gene. This substitution is predicted to create a major amino acid change from serine to tryptophan at position 1415 of the protein, NP_000825.2(GRIN2B):p.(Ser1415Trp). The serine at this position has low conservation (100 vertebrates, UCSC), and is located within the NMDAR2_C domain. In silico software predicts this variant to be pathogenic (Polyphen, SIFT, CADD, Mutation Taster). The variant is not present in the gnomAD population database and has not been previously reported in clinical cases. A different variant in the same codon resulting in a change to leucine is present in gnomAD database at a frequency of 0.0008% and has been reported in a patient with autism spectrum disorder (Tarabeux, J. et al. (2011)). Based on information available at the time of curation, this variant has been classified as a VARIANT of UNCERTAIN SIGNIFICANCE (VUS).